The following is an entry in ClinVar:

ClinVar aggregate classification (germline): Pathogenic (1 of 4 stars; one submission).

Conditions:
X-linked agammaglobulinemia with growth hormone deficiency (IGHD3). Also called: AGAMMAGLOBULINEMIA AND ISOLATED GROWTH HORMONE DEFICIENCY, X-LINKED; ISOLATED GROWTH HORMONE DEFICIENCY, TYPE III, WITH AGAMMAGLOBULINEMIA; FLEISHER SYNDROME; HYPOGAMMAGLOBULINEMIA AND ISOLATED GROWTH HORMONE DEFICIENCY, X-LINKED; IGHD III; Isolated growth hormone deficiency type 3. Identifiers: Orphanet 231692, Orphanet 631, MedGen C0472813, MONDO:0010615, OMIM 307200.

Submission:

Labcorp Genetics (formerly Invitae), Labcorp
Classification: Pathogenic for X-linked agammaglobulinemia with growth hormone deficiency. Last evaluated: 2022-10-26. Review status: criteria provided, single submitter. Criteria: Invitae Variant Classification Sherloc (09022015). Collection method: clinical testing. Allele origin: germline.
Comment: For these reasons, this variant has been classified as Pathogenic. This variant disrupts a region of the BTK protein in which other variant(s) (p.Phe644Ser) have been determined to be pathogenic (PMID: 8695804, 32552675). This suggests that this is a clinically significant region of the protein, and that variants that disrupt it are likely to be disease-causing. This variant has not been reported in the literature in individuals affected with BTK-related conditions. This variant is not present in population databases (gnomAD no frequency). This sequence change creates a premature translational stop signal (p.Thr643Leufs*6) in the BTK gene. While this is not anticipated to result in nonsense mediated decay, it is expected to disrupt the last 17 amino acid(s) of the BTK protein.

Literature cited by the submitters: PubMed 8695804; PubMed 32552675.

NM_000061.3(BTK):c.1926del (p.Thr643fs)

Gene: BTK (Bruton tyrosine kinase; minus strand). Cytogenetic location: Xq22.1.
Variant type: Deletion.
Coding change: c.1926del on transcript NM_000061.3 (MANE Select); coding-DNA position 1926, one base deleted (C; older notation c.1926delC).
Protein change: p.Thr643fs; shifts the reading frame from threonine 643.
Molecular consequence: frameshift variant.
Genome position (GRCh38, 1-based): chrX:101,349,939, G deleted on the plus strand (C on the coding strand, the reverse complement: BTK is on the minus strand); the first of 3 consecutive G bases (chrX:101,349,939-101,349,941); deleting any one gives the same sequence. VCF-style (leftmost placement, unchanged base first): chrX-101349938-TG-T. GRCh37 (hg19) VCF-style: chrX-100604926-TG-T.
Other names: c.2028del, p.Thr677fs (NM_001287344.2); c.1398del, p.Thr467fs (NM_001287345.2); short protein forms T643fs, T467fs, T677fs.
Identifiers: ClinVar variation 2022872 (VCV002022872.4), dbSNP rs2520501798, ClinGen allele CA2580100127.